The following is an entry in ClinVar:

ClinVar aggregate classification (germline): Uncertain significance (1 of 4 stars; one submission).

Submission:

Ambry Genetics
Classification: Uncertain significance. Last evaluated: 2025-06-29. Review status: criteria provided, single submitter. Criteria: Ambry Variant Classification Scheme 2023. Collection method: clinical testing. Allele origin: germline.
Comment: The p.G465R variant (also known as c.1393G>A), located in coding exon 12 of the GEN1 gene, results from a G to A substitution at nucleotide position 1393. The glycine at codon 465 is replaced by arginine, an amino acid with dissimilar properties. This amino acid position is conserved. In addition, this alteration is predicted to be tolerated by in silico analysis. Based on the available evidence, the clinical significance of this variant remains unclear.

NM_001130009.3(GEN1):c.1393G>A (p.Gly465Arg)

Gene: GEN1 (GEN1 Holliday junction 5' flap endonuclease; plus strand). Cytogenetic location: 2p24.2.
Variant type: single nucleotide variant.
Coding change: c.1393G>A on transcript NM_001130009.3 (MANE Select); coding-DNA position 1393, G replaced by A.
Protein change: p.Gly465Arg; replaces glycine 465 with arginine.
Molecular consequence: missense variant.
Genome position (GRCh38, 1-based): chr2:17,780,106, G>A. VCF-style: chr2-17780106-G-A. GRCh37 (hg19) VCF-style: chr2-17961373-G-A.
Other names: c.1393G>A, p.Gly465Arg (NM_182625.5); short protein forms G465R.
Identifiers: ClinVar variation 4263003 (VCV004263003.1).